The following is an entry in ClinVar:

NM_001009944.3(PKD1):c.10001A>G (p.Tyr3334Cys)

Gene: PKD1 (polycystin 1, transient receptor potential channel interacting; minus strand). Cytogenetic location: 16p13.3.
Variant type: single nucleotide variant.
Coding change: c.10001A>G on transcript NM_001009944.3 (MANE Select); coding-DNA position 10001, A replaced by G.
Protein change: p.Tyr3334Cys; replaces tyrosine 3334 with cysteine.
Molecular consequence: missense variant.
Genome position (GRCh38, 1-based): chr16:2,099,693, T>C on the plus strand (A>G on the coding strand, the complement: PKD1 is on the minus strand). VCF-style: chr16-2099693-T-C. GRCh37 (hg19) VCF-style: chr16-2149694-T-C.
Other names: c.10001A>G (NM_000296.3); c.10001A>G, p.Tyr3334Cys (NM_000296.4); short protein forms Y3334C.
Identifiers: ClinVar variation 997291 (VCV000997291.3), dbSNP rs1287231217, ClinGen allele CA394352096.

ClinVar aggregate classification (germline): Uncertain significance. Review status: criteria provided, multiple submitters, no conflicts (2 of 4 stars). 3 submissions from 3 submitters: Uncertain significance (2). 1 of the submissions does not count toward it. Last evaluated 2024-12-24.

Conditions:
Polycystic kidney disease, adult type (PKD1). Also called: POLYCYSTIC KIDNEY DISEASE, ADULT, TYPE I; Polycystic Kidney Disease 1, Autosomal Dominant; Polycystic kidney disease 1; Polycystic kidney disease 1, severe; Polycystic Kidney, Autosomal Dominant; POLYCYSTIC KIDNEY DISEASE 1 WITH OR WITHOUT POLYCYSTIC LIVER DISEASE. Identifiers: MedGen C3149841, MONDO:0008263, OMIM 173900.
Inborn genetic diseases. Identifiers: MedGen C0950123, MeSH D030342.
Polycystic kidney disease. Also called: Polycystic kidney dysplasia; Kidney, Polycystic. Identifiers: MedGen C0022680, MeSH D007690, MONDO:0020642, HP:0000113.

Allele frequency attached by ClinVar (database versions not stated): gnomAD 0.00001; gnomAD exomes 0.00001 and 0.00002; TOPMed 0.00002.
gnomAD v4.1: 20 of 1,594,118 alleles (0.0013%); highest among the groups gnomAD compares: African/African-American, 0.0027%; 1 homozygote.

Submissions (3):

Ambry Genetics
Classification: Uncertain significance for Inborn genetic diseases. Last evaluated: 2024-12-24. Review status: criteria provided, single submitter. Criteria: Ambry Variant Classification Scheme 2023. Collection method: clinical testing. Allele origin: germline.

Fulgent Genetics
Classification: Uncertain significance for Polycystic kidney disease, adult type. Last evaluated: 2022-04-02. Review status: criteria provided, single submitter. Criteria: ACMG Guidelines, 2015. Collection method: clinical testing. Allele origin: unknown.

Department of Pathology and Laboratory Medicine, Sinai Health System
Classification: Uncertain significance for Polycystic Kidney disease. Review status: no assertion criteria provided. Collection method: clinical testing. Allele origin: unknown. Affected: yes. Study: The Canadian Open Genetics Repository (COGR). Not counted in ClinVar's aggregate classification.
Comment: The PKD1 p.Tyr3334Cys variant was not identified in the literature nor was it identified in the dbSNP, ClinVar, GeneInsight-COGR, LOVD 3.0, ADPKD Mutation Database, or PKD1-LOVD. The variant was identified in control databases in 3 of 179250 chromosomes at a frequency of 0.00002 (Genome Aggregation Database Feb 27, 2017). It was observed in the following populations: European Non-Finnish in 2 of 80254 chromosomes (freq: 0.00003), and Ashkenazi Jewish in 1 of 8688 chromosomes (freq: 0.0001), while not observed in the African, Other, Latino, East Asian, Finnish, and South Asian populations. In addition we cannot be certain that data from control databases is specific to PKD1 and not from one of the six PKD1 pseudogenes. The p.Tyr3334 residue is conserved in mammals but not in more distantly related organisms, and computational analyses (PolyPhen-2, SIFT, AlignGVGD, BLOSUM, MutationTaster) suggest that the Cys variant may impact the protein; however, this information is not predictive enough to assume pathogenicity. The variant occurs outside of the splicing consensus sequence and 1 of 5 in silico or computational prediction software programs (SpliceSiteFinder, MaxEntScan, NNSPLICE, GeneSplicer, HumanSpliceFinder) predict a greater than 10% difference in splicing; this is not very predictive of pathogenicity. In summary, based on the above information the clinical significance of this variant cannot be determined with certainty at this time. This variant is classified as a variant of uncertain significance.